The following is an entry in ClinVar:

NM_004360.5(CDH1):c.61C>G (p.Leu21Val)

Gene: CDH1 (cadherin 1; plus strand). Cytogenetic location: 16q22.1.
Variant type: single nucleotide variant.
Coding change: c.61C>G on transcript NM_004360.5 (MANE Select); coding-DNA position 61, C replaced by G.
Protein change: p.Leu21Val; replaces leucine 21 with valine.
Molecular consequence: missense variant. On other transcripts: 5 prime UTR variant (2).
Genome position (GRCh38, 1-based): chr16:68,738,309, C>G. VCF-style: chr16-68738309-C-G. GRCh37 (hg19) VCF-style: chr16-68772212-C-G.
Other names: c.61C>G (LRG_301t1); c.61C>G, p.Leu21Val (NM_001317184.2); c.-1555C>G (NM_001317185.2); c.-1759C>G (NM_001317186.2); short protein forms L21V.
Identifiers: ClinVar variation 230175 (VCV000230175.25), dbSNP rs863224729, ClinGen allele CA10580066.
Genomic context (GRCh38, chr16:68,738,309, plus strand): 5'-GGGAACCCTCCGAGTCACCCGGTTCCATCTACCTTTCCCCCACCCCAGGTCTCCTCTTGG[C>G]TCTGCCAGGAGCCGGAGCCCTGCCACCCTGGCTTTGACGCCGAGAGCTACACGTTCACGG-3'
Protein context (NP_004351.1, residues 11-31): LLLLLQVSSW[Leu21Val]CQEPEPCHPG

ClinVar aggregate classification (germline): Uncertain significance. Review status: reviewed by expert panel (3 of 4 stars). 6 submissions from 6 submitters: Uncertain significance (1). 5 of the submissions do not count toward it. Last evaluated 2023-08-21.

Conditions:
CDH1-related diffuse gastric and lobular breast cancer syndrome. Also called: CDH1-related diffuse gastric and lobular breast cancer. Identifiers: MedGen CN311521, MONDO:0100488.
Hereditary cancer-predisposing syndrome. Also called: Hereditary Cancer Syndrome; Neoplastic Syndromes, Hereditary; Tumor predisposition; Hereditary neoplastic syndrome. Identifiers: Orphanet 140162, MedGen C0027672, MeSH D009386, MONDO:0015356.
Hereditary diffuse gastric adenocarcinoma (HDGC). Also called: DIFFUSE GASTRIC AND LOBULAR BREAST CANCER SYNDROME. Identifiers: Orphanet 26106, MedGen C1708349, MONDO:0007648, OMIM 137215.
Familial cancer of breast. Also called: Hereditary breast cancer; hereditary breast carcinoma; BREAST CANCER, FAMILIAL. Identifiers: Orphanet 227535, MedGen C0346153, MONDO:0016419, OMIM 114480. Disease mechanism: loss of function.

Allele frequency attached by ClinVar (database versions not stated): gnomAD 0.00003; gnomAD exomes 0.00003.

Submissions (6):

Clingen Gastric Cancer Variant Curation Expert Panel
Classification: Uncertain significance for CDH1-related diffuse gastric and lobular breast cancer syndrome. Last evaluated: 2023-08-21. Review status: reviewed by expert panel. Criteria: ClinGen CDH1 ACMG Specifications V3.1. Collection method: curation. Allele origin: germline. Inheritance: Autosomal dominant inheritance.
Comment: The c.61C>G (p.Leu21Val) variant results in a non-synonymous amino acid change in exon 2. This variant is present in 5 of 188,446 alleles (0.00003) in gnomAD, present exclusively in the East Asian subpopulation with 5 of 12,882 alleles (0.00039). This variant has been observed in at least three individuals without DGC, SRC tumour or LBC and whose families do not suggest HDGC (BS2_supporting). In summary, the clinical significance of this variant is uncertain based on ACMG/AMP criteria applied as specified by the CDH1 Variant Curation Expert Panel (Variant Interpretation Guidelines Version 3.1): BS2_supporting.

Labcorp Genetics (formerly Invitae), Labcorp
Classification: Uncertain significance for Hereditary diffuse gastric adenocarcinoma. Last evaluated: 2025-07-21. Review status: criteria provided, single submitter. Criteria: Invitae Variant Classification Sherloc (09022015). Collection method: clinical testing. Allele origin: germline. Not counted in ClinVar's aggregate classification.
Comment: This sequence change replaces leucine, which is neutral and non-polar, with valine, which is neutral and non-polar, at codon 21 of the CDH1 protein (p.Leu21Val). This variant is present in population databases (no rsID available, gnomAD 0.04%). This missense change has been observed in individual(s) with CDH1-related conditions (PMID: 30287823, 36436516). ClinVar contains an entry for this variant (Variation ID: 230175). An algorithm developed to predict the effect of missense changes on protein structure and function (PolyPhen-2) suggests that this variant is likely to be tolerated. In summary, the available evidence is currently insufficient to determine the role of this variant in disease. Therefore, it has been classified as a Variant of Uncertain Significance.

Ambry Genetics
Classification: Likely benign for Hereditary cancer-predisposing syndrome. Last evaluated: 2025-01-16. Review status: criteria provided, single submitter. Criteria: Ambry Variant Classification Scheme 2023. Collection method: clinical testing. Allele origin: germline. Not counted in ClinVar's aggregate classification.

Color Diagnostics, LLC DBA Color Health
Classification: Uncertain significance for Hereditary cancer-predisposing syndrome. Last evaluated: 2024-09-04. Review status: criteria provided, single submitter. Criteria: ACMG Guidelines, 2015. Collection method: clinical testing. Allele origin: germline. Not counted in ClinVar's aggregate classification.
Comment: This missense variant replaces leucine with valine at codon 21 of the CDH1 protein. To our knowledge, functional studies have not been reported for this variant. This variant has been reported in individuals with a family history of breast or gastric cancer (PMID: 36436516). This variant has been observed in at least three individuals without diffuse gastric cancer, signet ring cell tumor or lobular breast cancer and whose families do not suggest hereditary diffuse gastric adenocarcinoma (ClinVar SCV001437603.2). This variant has been identified in 5/188446 chromosomes in the general population by the Genome Aggregation Database (gnomAD). The available evidence is insufficient to determine the role of this variant in disease conclusively. Therefore, this variant is classified as a Variant of Uncertain Significance.

Baylor Genetics
Classification: Uncertain significance for Familial cancer of breast. Last evaluated: 2023-11-07. Review status: criteria provided, single submitter. Criteria: ACMG Guidelines, 2015. Collection method: clinical testing. Allele origin: unknown. Not counted in ClinVar's aggregate classification.

European Reference Network on Genetic Tumour Risk Syndromes (ERN-GENTURIS), i3s - Instituto de Investigação e Inovação em Saúde, University of Porto
Classification: Uncertain significance for Hereditary diffuse gastric adenocarcinoma. Last evaluated: 2022-08-01. Review status: criteria provided, single submitter. Criteria: Lee et al. (Hum Mutat. 2018). Collection method: clinical testing. Allele origin: germline. Inheritance: Autosomal dominant inheritance. Affected: no. Study: ERN GENTURIS. Not counted in ClinVar's aggregate classification.
Comment: PS4_Supporting; BS2_Supporting (PMID: 30311375)

Literature cited by the submitters: PubMed 30287823 (cited by Labcorp Genetics (formerly Invitae), Labcorp); PubMed 36436516 (cited by 3 submitters).